The following is an entry in ClinVar:

ClinVar aggregate classification (germline): Uncertain significance (1 of 4 stars; one submission).

Conditions:
Avascular necrosis of femoral head, primary, 2 (ANFH2). Identifiers: MedGen C4479260, MONDO:0054551, OMIM 617383.

Submission:

OLLIN Analises Genomicas, OLLIN
Classification: Uncertain significance for Avascular necrosis of femoral head, primary, 2. Last evaluated: 2026-08-06. Review status: criteria provided, single submitter. Criteria: ACMG Guidelines 2015 PMID 25741868. Collection method: clinical testing. Allele origin: germline. Inheritance: Autosomal dominant inheritance.
Comment: This missense variant, located in exon 12 (of 16), is absent from gnomAD and ClinVar and has not been identified in the literature. In silico analysis is inconclusive regarding the impact of this variant. This gene is constrained for missense variation. According to the currently available evidence, this variant has been classified as uncertain significance (PM2_P, PP2).

NM_021625.5(TRPV4):c.1834A>G (p.Lys612Glu)

Gene: TRPV4 (transient receptor potential cation channel subfamily V member 4; minus strand). Cytogenetic location: 12q24.11.
Variant type: single nucleotide variant.
Coding change: c.1834A>G on transcript NM_021625.5 (MANE Select); coding-DNA position 1834, A replaced by G.
Protein change: p.Lys612Glu; replaces lysine 612 with glutamic acid.
Molecular consequence: missense variant.
Genome position (GRCh38, 1-based): chr12:109,792,420, T>C on the plus strand (A>G on the coding strand, the complement: TRPV4 is on the minus strand). VCF-style: chr12-109792420-T-C. GRCh37 (hg19) VCF-style: chr12-110230225-T-C.
Other names: c.1693A>G, p.Lys565Glu (NM_001177428.2); c.1732A>G, p.Lys578Glu (NM_001177431.2); c.1513A>G, p.Lys505Glu (NM_001177433.2); c.1654A>G, p.Lys552Glu (NM_147204.3); short protein forms K565E, K552E, K578E, K505E, K612E.
Identifiers: ClinVar variation 5002854 (VCV005002854.1).